The following is an entry in ClinVar:

ClinVar aggregate classification (germline): Uncertain significance (1 of 4 stars; one submission).

Conditions:
Inborn genetic diseases. Identifiers: MedGen C0950123, MeSH D030342.

Submission:

Ambry Genetics
Classification: Uncertain significance for Inborn genetic diseases. Last evaluated: 2023-11-22. Review status: criteria provided, single submitter. Criteria: Ambry Variant Classification Scheme 2023. Collection method: clinical testing. Allele origin: germline.
Comment: The p.E166K variant (also known as c.496G>A), located in coding exon 5 of the BUB1B gene, results from a G to A substitution at nucleotide position 496. The glutamic acid at codon 166 is replaced by lysine, an amino acid with similar properties. This amino acid position is conserved. In addition, this alteration is predicted to be tolerated by in silico analysis. Since supporting evidence is limited at this time, the clinical significance of this alteration remains unclear.

NM_001211.6(BUB1B):c.496G>A (p.Glu166Lys)

Gene: BUB1B (BUB1 mitotic checkpoint serine/threonine kinase B; plus strand). Cytogenetic location: 15q15.1.
Variant type: single nucleotide variant.
Coding change: c.496G>A on transcript NM_001211.6 (MANE Select); coding-DNA position 496, G replaced by A.
Protein change: p.Glu166Lys; replaces glutamic acid 166 with lysine.
Molecular consequence: missense variant.
Genome position (GRCh38, 1-based): chr15:40,176,588, G>A. VCF-style: chr15-40176588-G-A. GRCh37 (hg19) VCF-style: chr15-40468789-G-A.
Other names: short protein forms E166K.
Identifiers: ClinVar variation 3221431 (VCV003221431.1), dbSNP rs2542524174, ClinGen allele CA391681285.